The following is an entry in ClinVar:

ClinVar aggregate classification (germline): Uncertain significance (1 of 4 stars; one submission).

Conditions:
Atrial fibrillation, familial, 11 (ATFB11). Identifiers: MedGen C3279693, MONDO:0013544, OMIM 614049.
Atrial standstill 1 (ATRST1). Also called: ATRIAL CARDIOMYOPATHY WITH HEART BLOCK; CARDIOMYOPATHY, FAMILIAL, WITH CONDUCTION DISTURBANCE; Atrial standstill, digenic (GJA5/SCN5A). Identifiers: Orphanet 1344, MedGen C4551959, MONDO:0007171, OMIM 108770.

Submission:

Labcorp Genetics (formerly Invitae), Labcorp
Classification: Uncertain significance for Atrial fibrillation, familial, 11; Atrial standstill 1. Last evaluated: 2018-04-23. Review status: criteria provided, single submitter. Criteria: Invitae Variant Classification Sherloc (09022015). Collection method: clinical testing. Allele origin: germline.
Comment: A gross duplication of the genomic region encompassing the full coding sequence of the GJA5 gene has been identified. The boundaries of this event are unknown as the duplication extends beyond the assayed region for this gene and therefore may encompass additional genes. As the precise location of this duplication is unknown, it may be in tandem or it may be located elsewhere in the genome. Isolated whole-gene duplications of GJA5 have not been reported in the literature. However, larger copy number events that include this gene have been reported in individuals with congenital heart disease among other variable clinical features (PMID: 22199024, 22912587, 25205790, 26279651, 27930557). In summary, the exact genomic location of this variant is unknown and the impact of this duplication on GJA5 protein function has not been established. Therefore, it has been classified as a Variant of Uncertain Significance.

Literature cited by the submitters: PubMed 27930557; PubMed 22912587; PubMed 25205790; PubMed 26279651; PubMed 22199024.

NC_000001.10:g.(?_147230250)_(147231366_?)dup

Gene: GJA5 (gap junction protein alpha 5; minus strand). Cytogenetic location: 1q21.2.
Variant type: Duplication.
Identifiers: ClinVar variation 471954 (VCV000471954.1).